The following is an entry in ClinVar:

ClinVar aggregate classification (germline): Likely benign (0 of 4 stars; one submission).

Conditions:
SLC25A24-related disorder. Also called: SLC25A24-related condition.

Allele frequency attached by ClinVar (database versions not stated): gnomAD 0.00003; TOPMed 0.00006; 1000 Genomes Project 30x 0.00016.
gnomAD v4.1: 98 of 1,586,490 alleles (0.0062%); highest among the groups gnomAD compares: East Asian, 0.21%; 2 homozygotes.

Submission:

PreventionGenetics, part of Exact Sciences
Classification: Likely benign for SLC25A24-related condition. Last evaluated: 2019-06-11. Review status: no assertion criteria provided. Collection method: clinical testing. Allele origin: germline.
Comment: This variant is classified as likely benign based on ACMG/AMP sequence variant interpretation guidelines (Richards et al. 2015 PMID: 25741868, with internal and published modifications).

NM_013386.5(SLC25A24):c.60G>A (p.Gln20=)

Gene: SLC25A24 (solute carrier family 25 member 24; minus strand). Cytogenetic location: 1p13.3.
Variant type: single nucleotide variant.
Coding change: c.60G>A on transcript NM_013386.5 (MANE Select); coding-DNA position 60, G replaced by A.
Protein change: p.Gln20=; no amino-acid change (glutamine 20 retained).
Molecular consequence: synonymous variant.
Genome position (GRCh38, 1-based): chr1:108,200,079, C>T on the plus strand (G>A on the coding strand, the complement: SLC25A24 is on the minus strand). VCF-style: chr1-108200079-C-T. GRCh37 (hg19) VCF-style: chr1-108742701-C-T.
Identifiers: ClinVar variation 3034105 (VCV003034105.2), dbSNP rs780023554, ClinGen allele CA979462.